The following is an entry in ClinVar:

NM_172362.3(KCNH1):c.1049T>C (p.Phe350Ser)

Gene: KCNH1 (potassium voltage-gated channel subfamily H member 1; minus strand). Cytogenetic location: 1q32.2.
Variant type: single nucleotide variant.
Coding change: c.1049T>C on transcript NM_172362.3 (MANE Select); coding-DNA position 1049, T replaced by C.
Protein change: p.Phe350Ser; replaces phenylalanine 350 with serine.
Molecular consequence: missense variant.
Genome position (GRCh38, 1-based): chr1:210,920,053, A>G on the plus strand (T>C on the coding strand, the complement: KCNH1 is on the minus strand). VCF-style: chr1-210920053-A-G. GRCh37 (hg19) VCF-style: chr1-211093395-A-G.
Other names: c.968T>C, p.Phe323Ser (NM_002238.4); short protein forms F323S, F350S.
Identifiers: ClinVar variation 4976135 (VCV004976135.1).

ClinVar aggregate classification (germline): Uncertain significance (1 of 4 stars; one submission).

Submission:

GeneDx
Classification: Uncertain significance. Last evaluated: 2026-02-03. Review status: criteria provided, single submitter. Criteria: GeneDx Variant Classification Process June 2021. Collection method: clinical testing. Allele origin: germline.
Comment: Not observed at significant frequency in large population cohorts (gnomAD); In silico analysis supports that this missense variant has a deleterious effect on protein structure/function; Has not been previously published as pathogenic or benign to our knowledge